The following is an entry in ClinVar:

NM_001190274.2(FBXO11):c.99_107del (p.32PPQ[1])

Genes: FBXO11 (F-box protein 11; minus strand), LOC100506235 (uncharacterized LOC100506235; plus strand). Cytogenetic location: 2p16.3.
Variant type: Deletion.
Coding change: c.99_107del on transcript NM_001190274.2 (MANE Select); coding-DNA positions 99 to 107, 9 bases deleted (GCAGCCGCC; older notation c.99_107delGCAGCCGCC).
Protein change: p.32PPQ[1].
Molecular consequence: non-coding transcript variant (on NR_187636.1).
Genome position (GRCh38, 1-based): chr2:47,905,614-47,905,622, GGCGGCTGC deleted on the plus strand (GCAGCCGCC on the coding strand, the reverse complement: FBXO11 is on the minus strand); deleting any 9 consecutive bases within chr2:47,905,614-47,905,628 gives the same sequence; the c. name uses the placement nearest the transcript's 3' end. VCF-style (leftmost placement, unchanged base first): chr2-47905613-GGGCGGCTGC-G. GRCh37 (hg19) VCF-style: chr2-48132752-GGGCGGCTGC-G.
Identifiers: ClinVar variation 3368836 (VCV003368836.1).

ClinVar aggregate classification (germline): Uncertain significance (1 of 4 stars; one submission).

Submission:

GeneDx
Classification: Uncertain significance. Last evaluated: 2024-02-05. Review status: criteria provided, single submitter. Criteria: GeneDx Variant Classification Process June 2021. Collection method: clinical testing. Allele origin: germline. Affected: yes.
Comment: Not observed at significant frequency in large population cohorts (gnomAD); In-frame deletion of 3 amino acids in a non-repeat region; In silico analysis supports that this variant does not alter protein structure/function; Has not been previously published as pathogenic or benign to our knowledge